The following is an entry in ClinVar:

ClinVar aggregate classification (germline): Uncertain significance (1 of 4 stars; one submission).

Allele frequency attached by ClinVar (database versions not stated): ExAC 0.00002.

Submission:

Labcorp Genetics (formerly Invitae), Labcorp
Classification: Uncertain significance. Last evaluated: 2022-06-03. Review status: criteria provided, single submitter. Criteria: Invitae Variant Classification Sherloc (09022015). Collection method: clinical testing. Allele origin: germline.
Comment: This variant has not been reported in the literature in individuals affected with IRF2BP2-related conditions. In summary, the available evidence is currently insufficient to determine the role of this variant in disease. Therefore, it has been classified as a Variant of Uncertain Significance. Algorithms developed to predict the effect of missense changes on protein structure and function are either unavailable or do not agree on the potential impact of this missense change (SIFT: "Tolerated"; PolyPhen-2: "Possibly Damaging"; Align-GVGD: "Class C0"). ClinVar contains an entry for this variant (Variation ID: 1353261). This variant is present in population databases (rs770470592, gnomAD 0.007%). This sequence change replaces isoleucine, which is neutral and non-polar, with serine, which is neutral and polar, at codon 389 of the IRF2BP2 protein (p.Ile389Ser).

NM_182972.3(IRF2BP2):c.1166T>G (p.Ile389Ser)

Gene: IRF2BP2 (interferon regulatory factor 2 binding protein 2; minus strand). Cytogenetic location: 1q42.3.
Variant type: single nucleotide variant.
Coding change: c.1166T>G on transcript NM_182972.3 (MANE Select); coding-DNA position 1166, T replaced by G.
Protein change: p.Ile389Ser; replaces isoleucine 389 with serine.
Molecular consequence: missense variant.
Genome position (GRCh38, 1-based): chr1:234,607,735, A>C on the plus strand (T>G on the coding strand, the complement: IRF2BP2 is on the minus strand). VCF-style: chr1-234607735-A-C. GRCh37 (hg19) VCF-style: chr1-234743481-A-C.
Other names: c.1118T>G, p.Ile373Ser (NM_001077397.1); short protein forms I373S, I389S.
Identifiers: ClinVar variation 1353261 (VCV001353261.6), dbSNP rs770470592, ClinGen allele CA1461627.